The following is an entry in ClinVar:

NM_000264.5(PTCH1):c.1736T>G (p.Val579Gly)

Genes: PTCH1 (patched 1; minus strand), LOC100507346 (uncharacterized LOC100507346; plus strand). Cytogenetic location: 9q22.32.
Variant type: single nucleotide variant.
Coding change: c.1736T>G on transcript NM_000264.5 (MANE Select); coding-DNA position 1736, T replaced by G.
Protein change: p.Val579Gly; replaces valine 579 with glycine.
Molecular consequence: missense variant. On other transcripts: non-coding transcript variant (2).
Genome position (GRCh38, 1-based): chr9:95,469,924, A>C on the plus strand (T>G on the coding strand, the complement: PTCH1 is on the minus strand). VCF-style: chr9-95469924-A-C. GRCh37 (hg19) VCF-style: chr9-98232206-A-C.
Other names: c.1538T>G, p.Val513Gly (NM_001083602.3); c.1733T>G, p.Val578Gly (NM_001083603.3); c.1283T>G, p.Val428Gly (NM_001083604.3, NM_001083605.3, NM_001083606.3 and 1 more transcripts); c.1580T>G, p.Val527Gly (NM_001354918.2); short protein forms V428G, V513G, V527G, V578G, V579G.
Identifiers: ClinVar variation 4862713 (VCV004862713.1).

ClinVar aggregate classification (germline): Uncertain significance (1 of 4 stars; one submission).

Conditions:
Hereditary cancer-predisposing syndrome. Also called: Neoplastic Syndromes, Hereditary; Tumor predisposition; Hereditary Cancer Syndrome; Hereditary neoplastic syndrome. Identifiers: Orphanet 140162, MedGen C0027672, MeSH D009386, MONDO:0015356.

Submission:

Ambry Genetics
Classification: Uncertain significance for Hereditary cancer-predisposing syndrome. Last evaluated: 2026-06-08. Review status: criteria provided, single submitter. Criteria: Ambry Variant Classification Scheme 2023. Collection method: clinical testing. Allele origin: germline.
Comment: The p.V579G variant (also known as c.1736T>G), located in coding exon 13 of the PTCH1 gene, results from a T to G substitution at nucleotide position 1736. The valine at codon 579 is replaced by glycine, an amino acid with dissimilar properties. This amino acid position is conserved. In addition, this alteration is predicted to be deleterious by in silico analysis. Based on the available evidence, the clinical significance of this variant remains unclear.